The following is an entry in ClinVar:

NM_177438.3(DICER1):c.5641A>G (p.Thr1881Ala)

Gene: DICER1 (dicer 1, ribonuclease III; minus strand). Cytogenetic location: 14q32.13.
Variant type: single nucleotide variant.
Coding change: c.5641A>G on transcript NM_177438.3 (MANE Select); coding-DNA position 5641, A replaced by G.
Protein change: p.Thr1881Ala; replaces threonine 1881 with alanine.
Molecular consequence: missense variant. On other transcripts: synonymous variant (1).
Genome position (GRCh38, 1-based): chr14:95,090,626, T>C on the plus strand (A>G on the coding strand, the complement: DICER1 is on the minus strand). VCF-style: chr14-95090626-T-C. GRCh37 (hg19) VCF-style: chr14-95556963-T-C.
Other names: NM_177438.3(DICER1):c.5641A>G; p.Thr1881Ala; c.5478A>G, p.Ser1826= (NM_001195573.1); c.5641A>G, p.Thr1881Ala (NM_001271282.3, NM_001291628.2, NM_030621.4); short protein forms T1881A.
Identifiers: ClinVar variation 825868 (VCV000825868.15), dbSNP rs746992218, ClinGen allele CA7330607.

ClinVar aggregate classification (germline): Uncertain significance. Review status: reviewed by expert panel (3 of 4 stars). 3 submissions from 3 submitters: Uncertain significance (1). 2 of the submissions do not count toward it. Last evaluated 2025-02-25.

Conditions:
DICER1-related tumor predisposition. Also called: DICER1-related pleuropulmonary blastoma cancer predisposition syndrome; DICER1 syndrome. Identifiers: Orphanet 284343, MedGen C3839822, MONDO:0100216.
Hereditary cancer-predisposing syndrome. Also called: Neoplastic Syndromes, Hereditary; Hereditary Cancer Syndrome; Hereditary neoplastic syndrome; Tumor predisposition. Identifiers: Orphanet 140162, MedGen C0027672, MeSH D009386, MONDO:0015356.

Allele frequency attached by ClinVar (database versions not stated): gnomAD exomes below 0.00001; ExAC 0.00001.
gnomAD v4.1: 1 of 1,614,186 alleles (0.000062%); highest among the groups gnomAD compares: Non-Finnish European, 0.000085%; no homozygotes.

Submissions (3):

ClinGen DICER1 and miRNA-Processing Gene Variant Curation Expert Panel, ClinGen
Classification: Uncertain significance for DICER1-related tumor predisposition. Last evaluated: 2025-02-25. Review status: reviewed by expert panel. Criteria: ClinGen DICER1 ACMG Specifications DICER1 V1.3.0. Collection method: curation. Allele origin: germline. Inheritance: Autosomal dominant inheritance.
Comment: The NM_177438.2:c.5641A>G variant in DICER1 is a missense variant predicted to cause substitution of threonine by alanine at amino acid 1881 (p.Thr1881Ala). Although this variant has been observed in germline cases, to our knowledge, this variant has not been reported in individuals with DICER1-related tumor predisposition (PS4 not met, Internal lab contributors). This variant has an allele frequency of 0.0000006195 (1/1614186 alleles) across gnomAD v4.1.0 with no more than one allele in any subpopulation, which is lower than the ClinGen DICER1 VCEP threshold (<0.000005) for PM2_Supporting, and therefore meets this criterion (PM2_Supporting). In silico tools predict no damaging impact of the variant on protein function (REVEL: 0.378; MaxEntScan and SpliceAI: no effect on splicing) (BP4). In summary, this variant meets the criteria to be classified as Uncertain Significance for DICER1 syndrome based on the ACMG/AMP criteria applied, as specified by the ClinGen DICER1 VCEP: PM2_supporting, BP4. (Bayesian Points: 0; VCEP specifications version 1.1.0; 02/25/2025)

Labcorp Genetics (formerly Invitae), Labcorp
Classification: Uncertain significance for DICER1-related tumor predisposition. Last evaluated: 2025-06-16. Review status: criteria provided, single submitter. Criteria: Invitae Variant Classification Sherloc (09022015). Collection method: clinical testing. Allele origin: germline. Not counted in ClinVar's aggregate classification.
Comment: This sequence change replaces threonine, which is neutral and polar, with alanine, which is neutral and non-polar, at codon 1881 of the DICER1 protein (p.Thr1881Ala). This variant is present in population databases (rs746992218, gnomAD 0.0009%). This variant has not been reported in the literature in individuals affected with DICER1-related conditions. ClinVar contains an entry for this variant (Variation ID: 825868). Invitae Evidence Modeling of protein sequence and biophysical properties (such as structural, functional, and spatial information, amino acid conservation, physicochemical variation, residue mobility, and thermodynamic stability) indicates that this missense variant is not expected to disrupt DICER1 protein function with a negative predictive value of 95%. In summary, the available evidence is currently insufficient to determine the role of this variant in disease. Therefore, it has been classified as a Variant of Uncertain Significance.

Ambry Genetics
Classification: Uncertain significance for Hereditary cancer-predisposing syndrome. Last evaluated: 2024-11-01. Review status: criteria provided, single submitter. Criteria: Ambry Variant Classification Scheme 2023. Collection method: clinical testing. Allele origin: germline. Not counted in ClinVar's aggregate classification.
Comment: The p.T1881A variant (also known as c.5641A>G), located in coding exon 26 of the DICER1 gene, results from an A to G substitution at nucleotide position 5641. The threonine at codon 1881 is replaced by alanine, an amino acid with similar properties. This amino acid position is highly conserved in available vertebrate species. In addition, the in silico prediction for this alteration is inconclusive. Based on the available evidence, the clinical significance of this variant remains unclear.